The following is an entry in ClinVar:

NM_020964.3(EPG5):c.401C>G (p.Thr134Ser)

Gene: EPG5 (ectopic P-granules 5 autophagy tethering factor; minus strand). Cytogenetic location: 18q21.1.
Variant type: single nucleotide variant.
Coding change: c.401C>G on transcript NM_020964.3 (MANE Select); coding-DNA position 401, C replaced by G.
Protein change: p.Thr134Ser; replaces threonine 134 with serine.
Molecular consequence: missense variant.
Genome position (GRCh38, 1-based): chr18:45,955,001, G>C on the plus strand (C>G on the coding strand, the complement: EPG5 is on the minus strand). VCF-style: chr18-45955001-G-C. GRCh37 (hg19) VCF-style: chr18-43534967-G-C.
Other names: short protein forms T134S.
Identifiers: ClinVar variation 1057715 (VCV001057715.8), dbSNP rs2143790253, ClinGen allele CA402351810.

ClinVar aggregate classification (germline): Uncertain significance (1 of 4 stars; one submission).

Conditions:
Vici syndrome (VICIS). Identifiers: Orphanet 1493, MedGen C1855772, MONDO:0009452, OMIM 242840.

Submission:

Labcorp Genetics (formerly Invitae), Labcorp
Classification: Uncertain significance for Vici syndrome. Last evaluated: 2022-09-19. Review status: criteria provided, single submitter. Criteria: Invitae Variant Classification Sherloc (09022015). Collection method: clinical testing. Allele origin: germline.
Comment: In summary, the available evidence is currently insufficient to determine the role of this variant in disease. Therefore, it has been classified as a Variant of Uncertain Significance. Advanced modeling of protein sequence and biophysical properties (such as structural, functional, and spatial information, amino acid conservation, physicochemical variation, residue mobility, and thermodynamic stability) performed at Invitae indicates that this missense variant is not expected to disrupt EPG5 protein function. ClinVar contains an entry for this variant (Variation ID: 1057715). This variant has not been reported in the literature in individuals affected with EPG5-related conditions. This variant is not present in population databases (gnomAD no frequency). This sequence change replaces threonine, which is neutral and polar, with serine, which is neutral and polar, at codon 134 of the EPG5 protein (p.Thr134Ser).